The following is an entry in ClinVar:

NM_032119.4(ADGRV1):c.4250A>C (p.Lys1417Thr)

Gene: ADGRV1 (adhesion G protein-coupled receptor V1; plus strand). Cytogenetic location: 5q14.3.
Variant type: single nucleotide variant.
Coding change: c.4250A>C on transcript NM_032119.4 (MANE Select); coding-DNA position 4250, A replaced by C.
Protein change: p.Lys1417Thr; replaces lysine 1417 with threonine.
Molecular consequence: missense variant. On other transcripts: non-coding transcript variant (1).
Genome position (GRCh38, 1-based): chr5:90,653,824, A>C. VCF-style: chr5-90653824-A-C. GRCh37 (hg19) VCF-style: chr5-89949641-A-C.
Other names: short protein forms K1417T.
Identifiers: ClinVar variation 1393043 (VCV001393043.6), dbSNP rs2149468485, ClinGen allele CA360402024.

ClinVar aggregate classification (germline): Uncertain significance (1 of 4 stars; one submission).

Submission:

Labcorp Genetics (formerly Invitae), Labcorp
Classification: Uncertain significance. Last evaluated: 2021-11-13. Review status: criteria provided, single submitter. Criteria: Invitae Variant Classification Sherloc (09022015). Collection method: clinical testing. Allele origin: germline.
Comment: This variant has not been reported in the literature in individuals affected with ADGRV1-related conditions. In summary, the available evidence is currently insufficient to determine the role of this variant in disease. Therefore, it has been classified as a Variant of Uncertain Significance. Algorithms developed to predict the effect of missense changes on protein structure and function are either unavailable or do not agree on the potential impact of this missense change (SIFT: "Deleterious"; PolyPhen-2: "Probably Damaging"; Align-GVGD: "Class C0"). This variant is not present in population databases (gnomAD no frequency). This sequence change replaces lysine, which is basic and polar, with threonine, which is neutral and polar, at codon 1417 of the ADGRV1 protein (p.Lys1417Thr).